The following is an entry in ClinVar:

ClinVar aggregate classification (germline): Uncertain significance (1 of 4 stars; one submission).

Conditions:
Combined immunodeficiency due to DOCK8 deficiency (HIES2). Also called: HIES autosomal recessive; Hyper-IgE recurrent infection syndrome, autosomal recessive; HYPER-IgE RECURRENT INFECTION SYNDROME 2, AUTOSOMAL RECESSIVE; DOCK8 Deficiency; HYPER-IgE SYNDROME 2, AUTOSOMAL RECESSIVE, WITH RECURRENT INFECTIONS. Identifiers: Orphanet 217390, MedGen C4722305, MONDO:0009478, OMIM 243700.

Submission:

Labcorp Genetics (formerly Invitae), Labcorp
Classification: Uncertain significance for Combined immunodeficiency due to DOCK8 deficiency. Last evaluated: 2024-03-19. Review status: criteria provided, single submitter. Criteria: Invitae Variant Classification Sherloc (09022015). Collection method: clinical testing. Allele origin: germline.
Comment: This sequence change replaces lysine, which is basic and polar, with glutamine, which is neutral and polar, at codon 1040 of the DOCK8 protein (p.Lys1040Gln). This variant is not present in population databases (gnomAD no frequency). This variant has not been reported in the literature in individuals affected with DOCK8-related conditions. An algorithm developed to predict the effect of missense changes on protein structure and function (PolyPhen-2) suggests that this variant is likely to be tolerated. In summary, the available evidence is currently insufficient to determine the role of this variant in disease. Therefore, it has been classified as a Variant of Uncertain Significance.

NM_203447.4(DOCK8):c.3118A>C (p.Lys1040Gln)

Gene: DOCK8 (dedicator of cytokinesis 8; plus strand). Cytogenetic location: 9p24.3.
Variant type: single nucleotide variant.
Coding change: c.3118A>C on transcript NM_203447.4 (MANE Select); coding-DNA position 3118, A replaced by C.
Protein change: p.Lys1040Gln; replaces lysine 1040 with glutamine.
Molecular consequence: missense variant.
Genome position (GRCh38, 1-based): chr9:396,932, A>C. VCF-style: chr9-396932-A-C. GRCh37 (hg19) VCF-style: chr9-396932-A-C.
Other names: c.2818A>C, p.Lys940Gln (NM_001190458.2); c.2914A>C, p.Lys972Gln (NM_001193536.2); short protein forms K1040Q, K940Q, K972Q.
Identifiers: ClinVar variation 3646766 (VCV003646766.2).